The following is an entry in ClinVar:

NM_001083962.2(TCF4):c.1770G>T (p.Glu590Asp)

Gene: TCF4 (transcription factor 4; minus strand). Cytogenetic location: 18q21.2.
Variant type: single nucleotide variant.
Coding change: c.1770G>T on transcript NM_001083962.2 (MANE Select); coding-DNA position 1770, G replaced by T.
Protein change: p.Glu590Asp; replaces glutamic acid 590 with aspartic acid.
Molecular consequence: missense variant.
Genome position (GRCh38, 1-based): chr18:55,228,956, C>A on the plus strand (G>T on the coding strand, the complement: TCF4 is on the minus strand). VCF-style: chr18-55228956-C-A. GRCh37 (hg19) VCF-style: chr18-52896187-C-A.
Other names: c.1290G>T, p.Glu430Asp (NM_001243234.2, NM_001348216.2); c.1278G>T, p.Glu426Asp (NM_001243235.2, NM_001243236.2); c.1686G>T, p.Glu562Asp (NM_001306207.1, NM_001348219.2, NM_001369582.1 and 1 more transcripts); c.1545G>T, p.Glu515Asp (NM_001306208.1); c.1767G>T, p.Glu589Asp (NM_001330604.3, NM_001369569.1, NM_001369570.1); c.1380G>T, p.Glu460Asp (NM_001330605.3, NM_001348213.2); c.1644G>T, p.Glu548Asp (NM_001348211.2); c.1368G>T, p.Glu456Asp (NM_001348212.2, NM_001243233.2); and 14 more; short protein forms E425D, E515D, E544D, E562D, E566D, E426D, E430D, E519D.
Identifiers: ClinVar variation 2838962 (VCV002838962.3), dbSNP rs2511498112, ClinGen allele CA402528830.

ClinVar aggregate classification (germline): Uncertain significance (1 of 4 stars; one submission).

Conditions:
Pitt-Hopkins syndrome (PTHS). Also called: ENCEPHALOPATHY, SEVERE EPILEPTIC, WITH AUTONOMIC DYSFUNCTION; MENTAL RETARDATION, SYNDROMAL, WITH INTERMITTENT HYPERVENTILATION. Identifiers: Orphanet 2896, MedGen C1970431, MONDO:0012589, OMIM 610954.

Submission:

Labcorp Genetics (formerly Invitae), Labcorp
Classification: Uncertain significance for Pitt-Hopkins syndrome. Last evaluated: 2023-10-13. Review status: criteria provided, single submitter. Criteria: Invitae Variant Classification Sherloc (09022015). Collection method: clinical testing. Allele origin: germline.
Comment: This sequence change replaces glutamic acid, which is acidic and polar, with aspartic acid, which is acidic and polar, at codon 590 of the TCF4 protein (p.Glu590Asp). This variant is not present in population databases (gnomAD no frequency). This variant has not been reported in the literature in individuals affected with TCF4-related conditions. This missense change has been observed in at least one individual who was not affected with TCF4-related conditions (Invitae). Advanced modeling of protein sequence and biophysical properties (such as structural, functional, and spatial information, amino acid conservation, physicochemical variation, residue mobility, and thermodynamic stability) performed at Invitae indicates that this missense variant is expected to disrupt TCF4 protein function. In summary, the available evidence is currently insufficient to determine the role of this variant in disease. Therefore, it has been classified as a Variant of Uncertain Significance.